The following is an entry in ClinVar:

ClinVar aggregate classification (germline): Pathogenic. Review status: criteria provided, multiple submitters, no conflicts (2 of 4 stars). 3 submissions from 3 submitters: Pathogenic (3). Last evaluated 2025-12-02.

Conditions:
Hereditary cancer-predisposing syndrome. Also called: Neoplastic Syndromes, Hereditary; Hereditary neoplastic syndrome; Tumor predisposition; Hereditary Cancer Syndrome. Identifiers: Orphanet 140162, MedGen C0027672, MeSH D009386, MONDO:0015356.
Cardiovascular phenotype. Identifiers: MedGen CN230736.
Neurofibromatosis, type 1 (NF1). Also called: Peripheral type neurofibromatosis; Neurofibromatosis, type I; VON RECKLINGHAUSEN DISEASE; NEUROFIBROMATOSIS, TYPE I, SOMATIC. Identifiers: Orphanet 636, MedGen C0027831, MONDO:0018975, OMIM 162200. Disease mechanism: loss of function.

Submissions (3):

Ambry Genetics
Classification: Pathogenic for Cardiovascular phenotype; Hereditary cancer-predisposing syndrome. Last evaluated: 2025-12-02. Review status: criteria provided, single submitter. Criteria: Ambry Variant Classification Scheme 2023. Collection method: clinical testing. Allele origin: germline.
Comment: The c.4368-1G>A intronic pathogenic mutation results from a G to A substitution one nucleotide before coding exon 33 of the NF1 gene. This variant was reported in individual(s) with features consistent with neurofibromatosis type 1 (Pros E et al. Hum Mutat, 2008 Sep;29:E173-93; Sabbagh A et al. Hum Mutat, 2013 Nov;34:1510-8; Ambry internal data). This variant is considered to be rare based on population cohorts in the Genome Aggregation Database (gnomAD). RNA studies have demonstrated that this alteration results in a deletion of the first nucleotide in exon 33 (Pros E et al. Hum Mutat, 2008 Sep;29:E173-93; Sabbagh A et al. Hum Mutat, 2013 Nov;34:1510-8; Ambry internal data). This nucleotide position is highly conserved in available vertebrate species. In silico splice site analysis predicts that this alteration will weaken the native splice acceptor site and will result in the creation or strengthening of a novel splice acceptor site. Alterations that disrupt the canonical splice site are expected to cause aberrant splicing, resulting in an abnormal protein or a transcript that is subject to nonsense-mediated mRNA decay. As such, this alteration is classified as a disease-causing mutation.

GeneDx
Classification: Pathogenic. Last evaluated: 2023-12-01. Review status: criteria provided, single submitter. Criteria: GeneDx Variant Classification Process June 2021. Collection method: clinical testing. Allele origin: germline. Affected: yes.
Comment: Canonical splice site variant predicted to result in a null allele in a gene for which loss of function is a known mechanism of disease; Not observed at significant frequency in large population cohorts (gnomAD); This variant is associated with the following publications: (PMID: 25525159, 18546366, 10712197, 23913538)

Labcorp Genetics (formerly Invitae), Labcorp
Classification: Pathogenic for Neurofibromatosis, type 1. Last evaluated: 2023-06-14. Review status: criteria provided, single submitter. Criteria: Invitae Variant Classification Sherloc (09022015). Collection method: clinical testing. Allele origin: germline.
Comment: For these reasons, this variant has been classified as Pathogenic. This sequence change affects an acceptor splice site in intron 32 of the NF1 gene. RNA analysis indicates that disruption of this splice site induces altered splicing and may result in an absent or disrupted protein product. This variant is not present in population databases (gnomAD no frequency). Disruption of this splice site has been observed in individual(s) with clinical features of neurofibromatosis type 1 (PMID: 10712197, 18546366). ClinVar contains an entry for this variant (Variation ID: 835743). Studies have shown that disruption of this splice site results in inactivation of the canonical splice site, and use of a cryptic splice site and introduces a premature termination codon (PMID: 18546366). The resulting mRNA is expected to undergo nonsense-mediated decay.

Literature cited by the submitters: PubMed 10712197 (cited by Ambry Genetics and Labcorp Genetics (formerly Invitae), Labcorp); PubMed 18546366 (cited by Ambry Genetics and Labcorp Genetics (formerly Invitae), Labcorp); PubMed 23913538 (cited by Ambry Genetics).

NM_001042492.3(NF1):c.4431-1G>A

Gene: NF1 (neurofibromin 1; plus strand). Cytogenetic location: 17q11.2.
Variant type: single nucleotide variant.
Coding change: c.4431-1G>A on transcript NM_001042492.3 (MANE Select); the canonical splice acceptor site of the intron before coding-DNA position 4431, G replaced by A.
Molecular consequence: splice acceptor variant.
Genome position (GRCh38, 1-based): chr17:31,260,368, G>A. VCF-style: chr17-31260368-G-A. GRCh37 (hg19) VCF-style: chr17-29587386-G-A.
Other names: c.4368-1G>A (NM_000267.4).
Identifiers: ClinVar variation 835743 (VCV000835743.11), dbSNP rs1597746891, ClinGen allele CA398999105.